The following is an entry in ClinVar:

NM_000878.5(IL2RB):c.601G>A (p.Asp201Asn)

Gene: IL2RB (interleukin 2 receptor subunit beta; minus strand). Cytogenetic location: 22q12.3.
Variant type: single nucleotide variant.
Coding change: c.601G>A on transcript NM_000878.5 (MANE Select); coding-DNA position 601, G replaced by A.
Protein change: p.Asp201Asn; replaces aspartic acid 201 with asparagine.
Molecular consequence: missense variant.
Genome position (GRCh38, 1-based): chr22:37,136,330, C>T on the plus strand (G>A on the coding strand, the complement: IL2RB is on the minus strand). VCF-style: chr22-37136330-C-T. GRCh37 (hg19) VCF-style: chr22-37532370-C-T.
Other names: c.601G>A, p.Asp201Asn (NM_001346222.1, NM_001346223.2); short protein forms D201N.
Identifiers: ClinVar variation 2993157 (VCV002993157.1), dbSNP rs1921695814, ClinGen allele CA411427483.

ClinVar aggregate classification (germline): Uncertain significance (1 of 4 stars; one submission).

Allele frequency attached by ClinVar (database versions not stated): TOPMed 0.00001.

Submission:

Labcorp Genetics (formerly Invitae), Labcorp
Classification: Uncertain significance. Last evaluated: 2023-12-01. Review status: criteria provided, single submitter. Criteria: Invitae Variant Classification Sherloc (09022015). Collection method: clinical testing. Allele origin: germline.
Comment: This sequence change replaces aspartic acid, which is acidic and polar, with asparagine, which is neutral and polar, at codon 201 of the IL2RB protein (p.Asp201Asn). This variant is not present in population databases (gnomAD no frequency). This variant has not been reported in the literature in individuals affected with IL2RB-related conditions. An algorithm developed to predict the effect of missense changes on protein structure and function (PolyPhen-2) suggests that this variant¬†is likely to be tolerated. In summary, the available evidence is currently insufficient to determine the role of this variant in disease. Therefore, it has been classified as a Variant of Uncertain Significance.